The following is an entry in ClinVar:

ClinVar aggregate classification (germline): Uncertain significance (1 of 4 stars; one submission).

Conditions:
Hereditary cancer-predisposing syndrome. Also called: Neoplastic Syndromes, Hereditary; Tumor predisposition; Hereditary neoplastic syndrome; Hereditary Cancer Syndrome. Identifiers: Orphanet 140162, MedGen C0027672, MeSH D009386, MONDO:0015356.

Submission:

Ambry Genetics
Classification: Uncertain significance for Hereditary cancer-predisposing syndrome. Last evaluated: 2026-07-06. Review status: criteria provided, single submitter. Criteria: Ambry Variant Classification Scheme 2023. Collection method: clinical testing. Allele origin: germline.
Comment: The p.E235K variant (also known as c.703G>A), located in coding exon 3 of the PHOX2B gene, results from a G to A substitution at nucleotide position 703. The glutamic acid at codon 235 is replaced by lysine, an amino acid with similar properties. This amino acid position is conserved. In addition, this alteration is predicted to be tolerated by in silico analysis. Based on the available evidence, the clinical significance of this variant remains unclear.

NM_003924.4(PHOX2B):c.703G>A (p.Glu235Lys)

Gene: PHOX2B (paired like homeobox 2B; minus strand). Cytogenetic location: 4p13.
Variant type: single nucleotide variant.
Coding change: c.703G>A on transcript NM_003924.4 (MANE Select); coding-DNA position 703, G replaced by A.
Protein change: p.Glu235Lys; replaces glutamic acid 235 with lysine.
Molecular consequence: missense variant.
Genome position (GRCh38, 1-based): chr4:41,746,049, C>T on the plus strand (G>A on the coding strand, the complement: PHOX2B is on the minus strand). VCF-style: chr4-41746049-C-T. GRCh37 (hg19) VCF-style: chr4-41748066-C-T.
Other names: short protein forms E235K.
Identifiers: ClinVar variation 5026519 (VCV005026519.1).